The following is an entry in ClinVar:

ClinVar aggregate classification (germline): Uncertain significance (1 of 4 stars; one submission).

Conditions:
Adams-Oliver syndrome 1 (AOS1). Also called: ABSENCE DEFECT OF LIMBS, SCALP, AND SKULL; CONGENITAL SCALP DEFECTS WITH DISTAL LIMB REDUCTION ANOMALIES; APLASIA CUTIS CONGENITA WITH TERMINAL TRANSVERSE LIMB DEFECTS. Identifiers: Orphanet 974, MedGen C4551482, MONDO:0024506, OMIM 100300.

Submission:

Laboratorio de Genetica e Diagnostico Molecular, Hospital Israelita Albert Einstein
Classification: Uncertain significance for Adams-Oliver syndrome 1. Last evaluated: 2025-01-31. Review status: criteria provided, single submitter. Criteria: ACMG Guidelines, 2015. Collection method: clinical testing. Allele origin: germline. Affected: yes.
Comment: ACMG classification criteria: PM2 supporting, BP4 supporting

NM_020754.4(ARHGAP31):c.2782A>C (p.Lys928Gln)

Gene: ARHGAP31 (Rho GTPase activating protein 31; plus strand). Cytogenetic location: 3q13.33.
Variant type: single nucleotide variant.
Coding change: c.2782A>C on transcript NM_020754.4 (MANE Select); coding-DNA position 2782, A replaced by C.
Protein change: p.Lys928Gln; replaces lysine 928 with glutamine.
Molecular consequence: missense variant.
Genome position (GRCh38, 1-based): chr3:119,414,711, A>C. VCF-style: chr3-119414711-A-C. GRCh37 (hg19) VCF-style: chr3-119133558-A-C.
Other names: short protein forms K928Q.
Identifiers: ClinVar variation 3901067 (VCV003901067.1).